The following is an entry in ClinVar:

ClinVar aggregate classification (germline): Uncertain significance (1 of 4 stars; one submission).

Conditions:
Inborn genetic diseases. Identifiers: MedGen C0950123, MeSH D030342.

Submission:

Ambry Genetics
Classification: Uncertain significance for Inborn genetic diseases. Last evaluated: 2024-04-26. Review status: criteria provided, single submitter. Criteria: Ambry Variant Classification Scheme 2023. Collection method: clinical testing. Allele origin: germline.
Comment: The p.S444R variant (also known as c.1332C>A), located in coding exon 10 of the EPAS1 gene, results from a C to A substitution at nucleotide position 1332. The serine at codon 444 is replaced by arginine, an amino acid with dissimilar properties. This amino acid position is conserved. In addition, this alteration is predicted to be tolerated by in silico analysis. Based on the available evidence, the clinical significance of this variant remains unclear.

NM_001430.5(EPAS1):c.1332C>A (p.Ser444Arg)

Gene: EPAS1 (endothelial PAS domain protein 1; plus strand). Cytogenetic location: 2p21.
Variant type: single nucleotide variant.
Coding change: c.1332C>A on transcript NM_001430.5 (MANE Select); coding-DNA position 1332, C replaced by A.
Protein change: p.Ser444Arg; replaces serine 444 with arginine.
Molecular consequence: missense variant.
Genome position (GRCh38, 1-based): chr2:46,377,976, C>A. VCF-style: chr2-46377976-C-A. GRCh37 (hg19) VCF-style: chr2-46605115-C-A.
Other names: short protein forms S444R.
Identifiers: ClinVar variation 3275707 (VCV003275707.1).